The following is an entry in ClinVar:

NM_000875.5(IGF1R):c.3924G>A (p.Ser1308=)

Gene: IGF1R (insulin like growth factor 1 receptor; plus strand). Cytogenetic location: 15q26.3.
Variant type: single nucleotide variant.
Coding change: c.3924G>A on transcript NM_000875.5 (MANE Select); coding-DNA position 3924, G replaced by A.
Protein change: p.Ser1308=; no amino-acid change (serine 1308 retained).
Molecular consequence: synonymous variant.
Genome position (GRCh38, 1-based): chr15:98,957,262, G>A. VCF-style: chr15-98957262-G-A. GRCh37 (hg19) VCF-style: chr15-99500491-G-A.
Other names: c.3921G>A, p.Ser1307= (NM_001291858.2).
Identifiers: ClinVar variation 2645736 (VCV002645736.24), dbSNP rs1055854980, ClinGen allele CA275332566.

ClinVar aggregate classification (germline): Likely benign (1 of 4 stars; one submission).

Allele frequency attached by ClinVar (database versions not stated): gnomAD 0.00001; gnomAD exomes 0.00001; TOPMed 0.00001.
gnomAD v4.1: 10 of 1,613,912 alleles (0.00062%); highest among the groups gnomAD compares: South Asian, 0.0033%; no homozygotes.

Submission:

CeGaT Center for Human Genetics Tuebingen
Classification: Likely benign. Last evaluated: 2022-10-01. Review status: criteria provided, single submitter. Criteria: CeGaT Center For Human Genetics Tuebingen Variant Classification Criteria Version 2. Collection method: clinical testing. Allele origin: germline. Affected: yes. Observed: 2 variant alleles.
Comment: IGF1R: BP4, BP7